The following is an entry in ClinVar:

ClinVar aggregate classification (germline): Uncertain significance (1 of 4 stars; one submission).

gnomAD v4.1: 2 of 1,209,912 alleles (0.00017%); highest among the groups gnomAD compares: Admixed American, 0.0043%; no homozygotes.

Submission:

GeneDx
Classification: Uncertain significance. Last evaluated: 2025-04-18. Review status: criteria provided, single submitter. Criteria: GeneDx Variant Classification Process June 2021. Collection method: clinical testing. Allele origin: germline. Affected: yes.
Comment: Not observed at significant frequency in large population cohorts (gnomAD); In silico analysis supports that this missense variant has a deleterious effect on protein structure/function; Has not been previously published as pathogenic or benign to our knowledge

NM_000240.4(MAOA):c.452A>T (p.Lys151Ile)

Gene: MAOA (monoamine oxidase A; plus strand). Cytogenetic location: Xp11.3.
Variant type: single nucleotide variant.
Coding change: c.452A>T on transcript NM_000240.4 (MANE Select); coding-DNA position 452, A replaced by T.
Protein change: p.Lys151Ile; replaces lysine 151 with isoleucine.
Molecular consequence: missense variant.
Genome position (GRCh38, 1-based): chrX:43,712,745, A>T. VCF-style: chrX-43712745-A-T. GRCh37 (hg19) VCF-style: chrX-43571992-A-T.
Other names: c.53A>T, p.Lys18Ile (NM_001270458.2); short protein forms K151I, K18I.
Identifiers: ClinVar variation 4282330 (VCV004282330.1).